The following is an entry in ClinVar:

NM_001025603.2(RFX5):c.1008_1014del (p.Pro337fs)

Gene: RFX5 (regulatory factor X5; minus strand). Cytogenetic location: 1q21.3.
Variant type: Deletion.
Coding change: c.1008_1014del on transcript NM_001025603.2 (MANE Select); coding-DNA positions 1008 to 1014, 7 bases deleted (CCCTCGC; older notation c.1008_1014delCCCTCGC).
Protein change: p.Pro337fs; shifts the reading frame from proline 337.
Molecular consequence: frameshift variant.
Genome position (GRCh38, 1-based): chr1:151,343,023-151,343,029, GCGAGGG deleted on the plus strand (CCCTCGC on the coding strand, the reverse complement: RFX5 is on the minus strand); deleting any 7 consecutive bases within chr1:151,343,023-151,343,031 gives the same sequence; the c. name uses the placement nearest the transcript's 3' end. VCF-style (leftmost placement, unchanged base first): chr1-151343022-AGCGAGGG-A. GRCh37 (hg19) VCF-style: chr1-151315498-AGCGAGGG-A.
Other names: c.1008_1014del, p.Pro337fs (NM_000449.4, NM_001379412.1, NM_001379413.1 and 5 more transcripts); c.888_894del, p.Pro297fs (NM_001379419.1, NM_001379420.1); short protein forms P297fs, P337fs.
Identifiers: ClinVar variation 2854392 (VCV002854392.3), dbSNP rs2529020120, ClinGen allele CA2739275258.

ClinVar aggregate classification (germline): Pathogenic (1 of 4 stars; one submission).

Conditions:
MHC class II deficiency. Also called: Bare lymphocyte syndrome 2; BLS, TYPE II. Identifiers: Orphanet 572, MedGen C5447452, MONDO:0008855.

Submission:

Labcorp Genetics (formerly Invitae), Labcorp
Classification: Pathogenic for MHC class II deficiency. Last evaluated: 2023-04-09. Review status: criteria provided, single submitter. Criteria: Invitae Variant Classification Sherloc (09022015). Collection method: clinical testing. Allele origin: germline.
Comment: This sequence change creates a premature translational stop signal (p.Pro337Hisfs*2) in the RFX5 gene. While this is not anticipated to result in nonsense mediated decay, it is expected to disrupt the last 280 amino acid(s) of the RFX5 protein. This variant is not present in population databases (gnomAD no frequency). For these reasons, this variant has been classified as Pathogenic. This variant disrupts a region of the RFX5 protein in which other variant(s) (p.Ser571Glnfs*22) have been determined to be pathogenic (Invitae). This suggests that this is a clinically significant region of the protein, and that variants that disrupt it are likely to be disease-causing. This variant has not been reported in the literature in individuals affected with RFX5-related conditions.